The following is an entry in ClinVar:

NC_000002.11:g.(?_84650870)_(84652747_?)del

Gene: SUCLG1 (succinate-CoA ligase GDP/ADP-forming subunit alpha; minus strand). Cytogenetic location: 2p11.2.
Variant type: Deletion.
Identifiers: ClinVar variation 3247379 (VCV003247379.1).

ClinVar aggregate classification (germline): Likely pathogenic (1 of 4 stars; one submission).

Conditions:
Mitochondrial DNA depletion syndrome 9 (MTDPS9). Also called: SUCLG1-Related Mitochondrial DNA Depletion Syndrome, Encephalomyopathic Form with Methylmalonic Aciduria. Identifiers: Orphanet 17, MedGen C3151476, MONDO:0009504, OMIM 245400.

Submission:

Labcorp Genetics (formerly Invitae), Labcorp
Classification: Likely pathogenic for Mitochondrial DNA depletion syndrome 9. Last evaluated: 2023-11-04. Review status: criteria provided, single submitter. Criteria: Invitae Variant Classification Sherloc (09022015). Collection method: clinical testing. Allele origin: unknown.
Comment: This variant is a gross deletion of the genomic region encompassing exon(s) 8-9 of the SUCLG1 gene, which includes the termination codon. This deletion extends beyond the assayed region for this gene and therefore may encompass additional genes. While this deletion is not anticipated to lead to nonsense mediated decay, it is expected to alter mRNA translation or result in a truncated protein product. This variant has not been reported in the literature in individuals affected with SUCLG1-related conditions. This variant disrupts the C-terminus of the SUCLG1 protein. Other variant(s) that disrupt this region (p.Met327Ilefs*15, p.Ala330Cysfs*12 ) have been observed in individuals with SUCLG1-related conditions (PMID: 30818899, 34006472). This suggests that this may be a clinically significant region of the protein. In summary, the currently available evidence indicates that the variant is pathogenic, but additional data are needed to prove that conclusively. Therefore, this variant has been classified as Likely Pathogenic.

Literature cited by the submitters: PubMed 30818899; PubMed 34006472.